The following is an entry in ClinVar:

NM_020822.3(KCNT1):c.2397G>T (p.Lys799Asn)

Gene: KCNT1 (potassium sodium-activated channel subfamily T member 1; plus strand). Cytogenetic location: 9q34.3.
Variant type: single nucleotide variant.
Coding change: c.2397G>T on transcript NM_020822.3 (MANE Select); coding-DNA position 2397, G replaced by T.
Protein change: p.Lys799Asn; replaces lysine 799 with asparagine.
Molecular consequence: missense variant.
Genome position (GRCh38, 1-based): chr9:135,777,385, G>T. VCF-style: chr9-135777385-G-T. GRCh37 (hg19) VCF-style: chr9-138669231-G-T.
Other names: c.2262G>T, p.Lys754Asn (NM_001272003.2); short protein forms K754N, K799N.
Identifiers: ClinVar variation 2584920 (VCV002584920.1), dbSNP rs1393309772, ClinGen allele CA375513243.

ClinVar aggregate classification (germline): Uncertain significance (1 of 4 stars; one submission).

Conditions:
Developmental and epileptic encephalopathy, 14 (DEE14). Also called: Early infantile epileptic encephalopathy 14. Identifiers: Orphanet 293181, MedGen C3554195, MONDO:0013989, OMIM 614959.

gnomAD v4.1: 1 of 1,614,002 alleles (0.000062%); highest among the groups gnomAD compares: South Asian, 0.0011%; no homozygotes.

Submission:

Neuberg Centre For Genomic Medicine, NCGM
Classification: Uncertain significance for Developmental and epileptic encephalopathy, 14. Review status: criteria provided, single submitter. Criteria: ACMG Guidelines, 2015. Collection method: clinical testing. Allele origin: germline. Inheritance: Autosomal dominant inheritance. Affected: yes.
Comment: The c.2397G>T (p.Lys799Asn) missense variant in KCNT1 gene has not been reported previously as a pathogenic variant nor as a benign variant, to our knowledge. The p.Lys799Asn variant is novel (not in any individuals) in gnomAD Exomes and 1000 Genomes. The amino acid Lys at position 799 is changed to a Asn changing protein sequence and it might alter its composition and physico-chemical properties. The amino acid change p.Lys799Asn in KCNT1 is predicted as conserved by GERP++ and PhyloP across 100 vertebrates. For these reasons, this variant has been classified as Variant of Uncertain Significance (VUS).